The following is an entry in ClinVar:

ClinVar aggregate classification (germline): Uncertain significance. Review status: criteria provided, multiple submitters, no conflicts (2 of 4 stars). 2 submissions from 2 submitters: Uncertain significance (2). Last evaluated 2025-10-07.

Conditions:
Inborn genetic diseases. Identifiers: MedGen C0950123, MeSH D030342.

Allele frequency attached by ClinVar (database versions not stated): gnomAD 0.00003; TOPMed 0.00003; gnomAD exomes 0.00006; ExAC 0.00011.
gnomAD v4.1: 83 of 1,613,044 alleles (0.0051%); highest among the groups gnomAD compares: Admixed American, 0.0067%; no homozygotes.

Submissions (2):

Ambry Genetics
Classification: Uncertain significance for Inborn genetic diseases. Last evaluated: 2025-10-07. Review status: criteria provided, single submitter. Criteria: Ambry Variant Classification Scheme 2023. Collection method: clinical testing. Allele origin: germline.

Labcorp Genetics (formerly Invitae), Labcorp
Classification: Uncertain significance. Last evaluated: 2024-11-13. Review status: criteria provided, single submitter. Criteria: Invitae Variant Classification Sherloc (09022015). Collection method: clinical testing. Allele origin: germline.
Comment: This sequence change replaces valine, which is neutral and non-polar, with methionine, which is neutral and non-polar, at codon 495 of the APC2 protein (p.Val495Met). This variant is present in population databases (rs532078861, gnomAD 0.01%). This variant has not been reported in the literature in individuals affected with APC2-related conditions. ClinVar contains an entry for this variant (Variation ID: 2396699). Invitae Evidence Modeling of protein sequence and biophysical properties (such as structural, functional, and spatial information, amino acid conservation, physicochemical variation, residue mobility, and thermodynamic stability) indicates that this missense variant is expected to disrupt APC2 protein function with a positive predictive value of 80%. In summary, the available evidence is currently insufficient to determine the role of this variant in disease. Therefore, it has been classified as a Variant of Uncertain Significance.

NM_005883.3(APC2):c.1483G>A (p.Val495Met)

Gene: APC2 (APC regulator of Wnt signaling pathway 2; plus strand). Cytogenetic location: 19p13.3.
Variant type: single nucleotide variant.
Coding change: c.1483G>A on transcript NM_005883.3 (MANE Select); coding-DNA position 1483, G replaced by A.
Protein change: p.Val495Met; replaces valine 495 with methionine.
Molecular consequence: missense variant.
Genome position (GRCh38, 1-based): chr19:1,460,819, G>A. VCF-style: chr19-1460819-G-A. GRCh37 (hg19) VCF-style: chr19-1460818-G-A.
Other names: c.1480G>A, p.Val494Met (NM_001351273.1); short protein forms V495M, V494M.
Identifiers: ClinVar variation 2396699 (VCV002396699.5), dbSNP rs532078861, ClinGen allele CA9045119.